The following is an entry in ClinVar:

ClinVar aggregate classification (germline): Likely pathogenic (1 of 4 stars; one submission).

Conditions:
Marfan syndrome (MFS). Also called: FBN1-Related Marfan Syndrome; MARFAN SYNDROME, TYPE I; Marfan syndrome type 1; Marfan's syndrome; Marfan syndrome, classic. Identifiers: Orphanet 284963, Orphanet 558, MedGen C0024796, MONDO:0007947, OMIM 154700.
Familial thoracic aortic aneurysm and aortic dissection (TAAD). Also called: Thoracic aortic aneurysms and dissections. Identifiers: Orphanet 91387, MedGen C4707243, MONDO:0019625.

Submission:

Labcorp Genetics (formerly Invitae), Labcorp
Classification: Likely pathogenic for Marfan syndrome; Familial thoracic aortic aneurysm and aortic dissection. Last evaluated: 2025-04-13. Review status: criteria provided, single submitter. Criteria: Invitae Variant Classification Sherloc (09022015). Collection method: clinical testing. Allele origin: germline.
Comment: This sequence change replaces cysteine, which is neutral and slightly polar, with arginine, which is basic and polar, at codon 1770 of the FBN1 protein (p.Cys1770Arg). This variant is not present in population databases (gnomAD no frequency). This variant has not been reported in the literature in individuals affected with FBN1-related conditions. Invitae Evidence Modeling of protein sequence and biophysical properties (such as structural, functional, and spatial information, amino acid conservation, physicochemical variation, residue mobility, and thermodynamic stability) indicates that this missense variant is expected to disrupt FBN1 protein function with a positive predictive value of 95%. This variant affects a cysteine residue in the EGF-like, TGFBP or hybrid motif domains of FBN1. Cysteine residues are believed to be involved in intramolecular disulfide bridges and have been shown to be important for FBN1 protein structure (PMID: 16905551, 19349279). In addition, missense substitutions affecting cysteine residues within these domains are significantly overrepresented among patients with Marfan syndrome (PMID: 16571647, 17701892). This variant disrupts the p.Cys1770 amino acid residue in FBN1. Other variant(s) that disrupt this residue have been observed in individuals with FBN1-related conditions (PMID: 14695540, 15583982), which suggests that this may be a clinically significant amino acid residue. In summary, the currently available evidence indicates that the variant is pathogenic, but additional data are needed to prove that conclusively. Therefore, this variant has been classified as Likely Pathogenic.

Literature cited by the submitters: PubMed 16905551; PubMed 19349279; PubMed 16571647; PubMed 17701892; PubMed 14695540; PubMed 15583982.

NM_000138.5(FBN1):c.5308T>C (p.Cys1770Arg)

Gene: FBN1 (fibrillin 1; minus strand). Cytogenetic location: 15q21.1.
Variant type: single nucleotide variant.
Coding change: c.5308T>C on transcript NM_000138.5 (MANE Select); coding-DNA position 5308, T replaced by C.
Protein change: p.Cys1770Arg; replaces cysteine 1770 with arginine.
Molecular consequence: missense variant.
Genome position (GRCh38, 1-based): chr15:48,456,751, A>G on the plus strand (T>C on the coding strand, the complement: FBN1 is on the minus strand). VCF-style: chr15-48456751-A-G. GRCh37 (hg19) VCF-style: chr15-48748948-A-G.
Other names: c.5308T>C, p.Cys1770Arg (NM_001406716.1); short protein forms C1770R.
Identifiers: ClinVar variation 4789648 (VCV004789648.1).